The following is an entry in ClinVar:

NM_000051.4(ATM):c.3813del (p.Ile1271fs)

Gene: ATM (ATM serine/threonine kinase; plus strand). Cytogenetic location: 11q22.3.
Variant type: Deletion.
Coding change: c.3813del on transcript NM_000051.4 (MANE Select); coding-DNA position 3813, one base deleted (T; older notation c.3813delT).
Protein change: p.Ile1271fs; shifts the reading frame from isoleucine 1271.
Molecular consequence: frameshift variant.
Genome position (GRCh38, 1-based): chr11:108,284,293, T deleted; the last of 2 consecutive T bases (chr11:108,284,292-108,284,293); deleting either gives the same sequence. VCF-style (leftmost placement, unchanged base first): chr11-108284291-AT-A. GRCh37 (hg19) VCF-style: chr11-108155018-AT-A.
Other names: c.3813del, p.Ile1271fs (NM_001351834.2); short protein forms I1271fs.
Identifiers: ClinVar variation 2568158 (VCV002568158.2), dbSNP rs2546886359, ClinGen allele CA2580616448.

ClinVar aggregate classification (germline): Pathogenic (1 of 4 stars; one submission).

Conditions:
Hereditary cancer-predisposing syndrome. Also called: Hereditary neoplastic syndrome; Hereditary Cancer Syndrome; Neoplastic Syndromes, Hereditary; Tumor predisposition. Identifiers: Orphanet 140162, MedGen C0027672, MeSH D009386, MONDO:0015356.

Submission:

Ambry Genetics
Classification: Pathogenic for Hereditary cancer-predisposing syndrome. Last evaluated: 2023-03-28. Review status: criteria provided, single submitter. Criteria: Ambry Variant Classification Scheme 2023. Collection method: clinical testing. Allele origin: germline.
Comment: The c.3813delT pathogenic mutation, located in coding exon 25 of the ATM gene, results from a deletion of one nucleotide at nucleotide position 3813, causing a translational frameshift with a predicted alternate stop codon (p.I1271Mfs*13). This variant is considered to be rare based on population cohorts in the Genome Aggregation Database (gnomAD). This alteration is expected to result in loss of function by premature protein truncation or nonsense-mediated mRNA decay. As such, this alteration is interpreted as a disease-causing mutation.